The following is an entry in ClinVar:

NM_007255.3(B4GALT7):c.869T>C (p.Val290Ala)

Gene: B4GALT7 (beta-1,4-galactosyltransferase 7; plus strand). Cytogenetic location: 5q35.3.
Variant type: single nucleotide variant.
Coding change: c.869T>C on transcript NM_007255.3 (MANE Select); coding-DNA position 869, T replaced by C.
Protein change: p.Val290Ala; replaces valine 290 with alanine.
Molecular consequence: missense variant.
Genome position (GRCh38, 1-based): chr5:177,609,580, T>C. VCF-style: chr5-177609580-T-C. GRCh37 (hg19) VCF-style: chr5-177036581-T-C.
Other names: short protein forms V290A.
Identifiers: ClinVar variation 2191364 (VCV002191364.2), dbSNP rs766423518, ClinGen allele CA3586723.

ClinVar aggregate classification (germline): Uncertain significance (1 of 4 stars; one submission).

Conditions:
Spondylodysplastic Ehlers-Danlos syndrome. Identifiers: Orphanet 536471, Orphanet 75496, MedGen C5680154, MONDO:0007526.

Allele frequency attached by ClinVar (database versions not stated): ExAC 0.00001; gnomAD exomes 0.00002; TOPMed 0.00002.

Submission:

Labcorp Genetics (formerly Invitae), Labcorp
Classification: Uncertain significance for Spondylodysplastic Ehlers-Danlos syndrome. Last evaluated: 2022-05-20. Review status: criteria provided, single submitter. Criteria: Invitae Variant Classification Sherloc (09022015). Collection method: clinical testing. Allele origin: germline.
Comment: This sequence change replaces valine, which is neutral and non-polar, with alanine, which is neutral and non-polar, at codon 290 of the B4GALT7 protein (p.Val290Ala). In summary, the available evidence is currently insufficient to determine the role of this variant in disease. Therefore, it has been classified as a Variant of Uncertain Significance. Algorithms developed to predict the effect of missense changes on protein structure and function are either unavailable or do not agree on the potential impact of this missense change (SIFT: "Deleterious"; PolyPhen-2: "Possibly Damaging"; Align-GVGD: "Class C0"). This variant has not been reported in the literature in individuals affected with B4GALT7-related conditions. This variant is present in population databases (rs766423518, gnomAD 0.002%).